The following is an entry in ClinVar:

ClinVar aggregate classification (germline): Pathogenic/Likely pathogenic. Review status: criteria provided, multiple submitters, no conflicts (2 of 4 stars). 5 submissions from 5 submitters: Pathogenic (2); Likely pathogenic (3). Last evaluated 2025-09-08.

Conditions:
MED13-related disorder. Also called: MED13-related condition.
Intellectual developmental disorder 61. Also called: INTELLECTUAL DEVELOPMENTAL DISORDER, AUTOSOMAL DOMINANT 61; MENTAL RETARDATION, AUTOSOMAL DOMINANT 61. Identifiers: MedGen C5231400, MONDO:0032485, OMIM 618009.
Inborn genetic diseases. Identifiers: MedGen C0950123, MeSH D030342.

Allele frequency attached by ClinVar (database versions not stated): gnomAD exomes below 0.00001 and 0.00001; ExAC 0.00001.

Submissions (5):

Ambry Genetics
Classification: Pathogenic for Inborn genetic diseases. Last evaluated: 2025-09-08. Review status: criteria provided, single submitter. Criteria: Ambry Variant Classification Scheme 2023. Collection method: clinical testing. Allele origin: germline.
Comment: The c.5683_5684delAT (p.M1895Vfs*2) alteration, located in exon 25 (coding exon 25) of the MED13 gene, consists of a deletion of 2 nucleotides from position 5683 to 5684, causing a translational frameshift with a predicted alternate stop codon after 2 amino acids. This alteration is expected to result in loss of function by premature protein truncation or nonsense-mediated mRNA decay. Based on data from gnomAD, the c.5683_5684delAT allele has an overall frequency of 0.001% (2/248472) total alleles studied. The highest observed frequency was 0.005% (1/21548) of European (Finnish) alleles. This variant was reported in individual(s) with features consistent with MED13-realted neurodevelopmental disorder; in at least one individual, it was determined to be de novo (Wright, 2024; Fu, 2022). Based on the available evidence, this alteration is classified as pathogenic.

Centre of Medical Genetics, University Hospital Muenster
Classification: Likely pathogenic. Last evaluated: 2021-06-09. Review status: criteria provided, single submitter. Criteria: ACMG Guidelines, 2015. Collection method: clinical testing. Allele origin: unknown. Affected: yes. Observed: 1 variant allele, 1 heterozygote.
Comment: ACMG categories: PVS1,PM2

Blueprint Genetics
Classification: Likely pathogenic for MED13-related disorders. Last evaluated: 2020-06-22. Review status: criteria provided, single submitter. Criteria: ACMG Guidelines, 2015. Collection method: clinical testing. Allele origin: germline. Affected: yes. Observed: 2 variant alleles.

Centre de Biologie Pathologie Génétique, Centre Hospitalier Universitaire de Lille
Classification: Pathogenic for Intellectual developmental disorder 61. Review status: criteria provided, single submitter. Criteria: ACMG Guidelines, 2015. Collection method: clinical testing. Allele origin: inherited. Affected: yes.

Juno Genomics, Hangzhou Juno Genomics, Inc
Classification: Likely pathogenic for Intellectual developmental disorder 61. Review status: criteria provided, single submitter. Criteria: ACMG Guidelines, 2015. Collection method: clinical testing. Allele origin: germline. Affected: yes.
Comment: Absent from controls (or at extremely low frequency if recessive) in Genome Aggregation Database, Exome Sequencing Project, 1000 Genomes Project, or Exome Aggregation Consortium.;Null variant in a gene where loss of function (LOF) is a known mechanism of disease.

Literature cited by the submitters: PubMed 35982160 (cited by Ambry Genetics); PubMed 38958063 (cited by Ambry Genetics).

NM_005121.3(MED13):c.5683_5684del (p.Met1895fs)

Gene: MED13 (mediator complex subunit 13; minus strand). Cytogenetic location: 17q23.2.
Variant type: Deletion.
Coding change: c.5683_5684del on transcript NM_005121.3 (MANE Select); coding-DNA positions 5683 to 5684, 2 bases deleted (AT; older notation c.5683_5684delAT).
Protein change: p.Met1895fs; shifts the reading frame from methionine 1895.
Molecular consequence: frameshift variant.
Genome position (GRCh38, 1-based): chr17:61,955,778-61,955,779, AT deleted on the plus strand (AT on the coding strand, the reverse complement: MED13 is on the minus strand). VCF-style (leftmost placement, unchanged base first): chr17-61955777-CAT-C. GRCh37 (hg19) VCF-style: chr17-60033138-CAT-C.
Other names: c.5683_5684del (NM_005121.2); c.5683_5684delAT (NM_005121.2); short protein forms M1895fs.
Identifiers: ClinVar variation 1700231 (VCV001700231.7), dbSNP rs750570850, ClinGen allele CA8692087.
Genomic context (GRCh38, chr17:61,955,777, plus strand): 5'-CACCAAGCAAGCACTGAGAATGCTAGGGGAGTCTGCAGCAGATATACCACACATTCTACA[CAT>C]GTCTTTGAGCCTTTTACTTAGAGACTGCAAGTTTCGACGACTCAGCAAACAGCTCCAATC-3'